The following is an entry in ClinVar:

ClinVar aggregate classification (germline): Uncertain significance. Review status: criteria provided, multiple submitters, no conflicts (2 of 4 stars). 4 submissions from 4 submitters: Uncertain significance (2). 2 of the submissions do not count toward it. Last evaluated 2024-04-07.

Conditions:
Bardet-Biedl syndrome (BBS). Identifiers: Orphanet 110, MedGen C0752166, MONDO:0015229.
Bardet-Biedl syndrome 1 (BBS1). Identifiers: MedGen C2936862, MONDO:0008854, OMIM 209900. Disease mechanism: loss of function.

Allele frequency attached by ClinVar (database versions not stated): gnomAD exomes below 0.00001; gnomAD 0.00001 and 0.00002; TOPMed 0.00001.
gnomAD v4.1: 3 of 1,613,984 alleles (0.00019%); highest among the groups gnomAD compares: African/African-American, 0.004%; no homozygotes.

Submissions (4):

Fulgent Genetics
Classification: Uncertain significance for Bardet-Biedl syndrome 1. Last evaluated: 2024-04-07. Review status: criteria provided, single submitter. Criteria: ACMG Guidelines, 2015. Collection method: clinical testing. Allele origin: germline.

Labcorp Genetics (formerly Invitae), Labcorp
Classification: Uncertain significance for Bardet-Biedl syndrome. Last evaluated: 2022-08-17. Review status: criteria provided, single submitter. Criteria: Invitae Variant Classification Sherloc (09022015). Collection method: clinical testing. Allele origin: germline.
Comment: This sequence change replaces glycine, which is neutral and non-polar, with arginine, which is basic and polar, at codon 57 of the BBS1 protein (p.Gly57Arg). This variant is not present in population databases (gnomAD no frequency). This variant has not been reported in the literature in individuals affected with BBS1-related conditions. ClinVar contains an entry for this variant (Variation ID: 592062). Algorithms developed to predict the effect of missense changes on protein structure and function are either unavailable or do not agree on the potential impact of this missense change (SIFT: "Tolerated"; PolyPhen-2: "Possibly Damaging"; Align-GVGD: "Class C0"). In summary, the available evidence is currently insufficient to determine the role of this variant in disease. Therefore, it has been classified as a Variant of Uncertain Significance.

Natera, Inc.
Classification: Uncertain significance for Bardet-Biedl syndrome type 1. Last evaluated: 2021-03-23. Review status: no assertion criteria provided. Collection method: clinical testing. Allele origin: germline. Not counted in ClinVar's aggregate classification.

Gharavi Laboratory, Columbia University
Classification: Uncertain significance. Last evaluated: 2018-09-16. Review status: no assertion criteria provided. Criteria: ACMG Guidelines, 2015. Collection method: research. Allele origin: germline. Affected: yes. Not counted in ClinVar's aggregate classification.

NM_024649.5(BBS1):c.169G>C (p.Gly57Arg)

Gene: BBS1 (Bardet-Biedl syndrome 1; plus strand). Cytogenetic location: 11q13.2.
Variant type: single nucleotide variant.
Coding change: c.169G>C on transcript NM_024649.5 (MANE Select); coding-DNA position 169, G replaced by C.
Protein change: p.Gly57Arg; replaces glycine 57 with arginine.
Molecular consequence: missense variant.
Genome position (GRCh38, 1-based): chr11:66,514,415, G>C. VCF-style: chr11-66514415-G-C. GRCh37 (hg19) VCF-style: chr11-66281886-G-C.
Other names: short protein forms G57R.
Identifiers: ClinVar variation 592062 (VCV000592062.10), dbSNP rs1355873337, ClinGen allele CA381455572.
Genomic context (GRCh38, chr11:66,514,415, plus strand): 5'-TGGAGAGGTCTTCAGACCCTGAGCCTAGAATGAGCCATCCTCTCCCTGCAGCTGGTGGTA[G>C]GGGACCTTGGCCCTGGTGGGCAGCAGCCCCGCCTGAAGGTGCTCAAAGGACCACTGGTGA-3'
Protein context (NP_078925.3, residues 47-67): HGDGEYKLVV[Gly57Arg]DLGPGGQQPR